The following is an entry in ClinVar:

ClinVar aggregate classification (germline): Uncertain significance. Review status: criteria provided, multiple submitters, no conflicts (2 of 4 stars). 2 submissions from 2 submitters: Uncertain significance (2). Last evaluated 2026-01-08.

Allele frequency attached by ClinVar (database versions not stated): gnomAD exomes below 0.00001; gnomAD 0.00001.
gnomAD v4.1: 3 of 1,611,952 alleles (0.00019%); highest among the groups gnomAD compares: African/African-American, 0.0013%; no homozygotes.

Submissions (2):

Labcorp Genetics (formerly Invitae), Labcorp
Classification: Uncertain significance. Last evaluated: 2026-01-08. Review status: criteria provided, single submitter. Criteria: Invitae Variant Classification Sherloc (09022015). Collection method: clinical testing. Allele origin: germline.
Comment: This sequence change replaces leucine, which is neutral and non-polar, with proline, which is neutral and non-polar, at codon 1586 of the CACNA1D protein (p.Leu1586Pro). This variant is not present in population databases (gnomAD no frequency). This variant has not been reported in the literature in individuals affected with CACNA1D-related conditions. ClinVar contains an entry for this variant (Variation ID: 1313173). Invitae Evidence Modeling of protein sequence and biophysical properties (such as structural, functional, and spatial information, amino acid conservation, physicochemical variation, residue mobility, and thermodynamic stability) indicates that this missense variant is not expected to disrupt CACNA1D protein function with a negative predictive value of 80%. In summary, the available evidence is currently insufficient to determine the role of this variant in disease. Therefore, it has been classified as a Variant of Uncertain Significance.

GeneDx
Classification: Uncertain significance. Last evaluated: 2020-09-04. Review status: criteria provided, single submitter. Criteria: GeneDx Variant Classification Process June 2021. Collection method: clinical testing. Allele origin: germline. Affected: yes.
Comment: Not observed in large population cohorts (Lek et al., 2016); In silico analysis supports that this missense variant has a deleterious effect on protein structure/function; Has not been previously published as pathogenic or benign to our knowledge

NM_001128840.3(CACNA1D):c.4697T>C (p.Leu1566Pro)

Gene: CACNA1D (calcium voltage-gated channel subunit alpha1 D; plus strand). Cytogenetic location: 3p21.1.
Variant type: single nucleotide variant.
Coding change: c.4697T>C on transcript NM_001128840.3 (MANE Select); coding-DNA position 4697, T replaced by C.
Protein change: p.Leu1566Pro; replaces leucine 1566 with proline.
Molecular consequence: missense variant.
Genome position (GRCh38, 1-based): chr3:53,781,572, T>C. VCF-style: chr3-53781572-T-C. GRCh37 (hg19) VCF-style: chr3-53815599-T-C.
Other names: c.4757T>C, p.Leu1586Pro (NM_000720.4); c.4652T>C, p.Leu1551Pro (NM_001128839.3); short protein forms L1551P, L1566P, L1586P.
Identifiers: ClinVar variation 1313173 (VCV001313173.6), dbSNP rs2095425594, ClinGen allele CA353245765.